The following is an entry in ClinVar:

ClinVar aggregate classification (germline): Benign (1 of 4 stars; one submission).

Allele frequency attached by ClinVar (database versions not stated): gnomAD 0.05586 and 0.05958; 1000 Genomes Project 0.06093; TOPMed 0.06502; 1000 Genomes Project 30x 0.06556.
gnomAD v4.1: 6,199 of 111,957 alleles (5.5%); highest among the groups gnomAD compares: African/African-American, 19%; 412 homozygotes.

Submission:

GeneDx
Classification: Benign. Last evaluated: 2018-06-18. Review status: criteria provided, single submitter. Criteria: GeneDx Variant Classification (06012015). Collection method: clinical testing. Allele origin: germline. Affected: yes.
Comment: This variant is considered likely benign or benign based on one or more of the following criteria: it is a conservative change, it occurs at a poorly conserved position in the protein, it is predicted to be benign by multiple in silico algorithms, and/or has population frequency not consistent with disease.

NM_002637.4(PHKA1):c.2137+221A>G

Gene: PHKA1 (phosphorylase kinase regulatory subunit alpha 1; minus strand). Cytogenetic location: Xq13.1.
Variant type: single nucleotide variant.
Coding change: c.2137+221A>G on transcript NM_002637.4 (MANE Select); 221 bases into the intron after coding-DNA position 2137, A replaced by G.
Molecular consequence: intron variant.
Genome position (GRCh38, 1-based): chrX:72,620,504, T>C on the plus strand (A>G on the coding strand, the complement: PHKA1 is on the minus strand). VCF-style: chrX-72620504-T-C. GRCh37 (hg19) VCF-style: chrX-71840354-T-C.
Other names: c.1961-1199A>G (NM_001172436.2); c.2137+221A>G (NM_001122670.2).
Identifiers: ClinVar variation 678389 (VCV000678389.1), dbSNP rs7056520, ClinGen allele CA331059355.
Genomic context (GRCh38, chrX:72,620,504, plus strand): 5'-AATGTTATAGTTGAATATGCTCCATGTCTCTTGTTCTGCCTCTTCTTACCATGTTACCAG[T>C]TAAACCAGACTACATAGCACTACCTGCAGCATAACTATACACAATTCACTCATTTTACAA-3'